The following is an entry in ClinVar:

ClinVar aggregate classification (germline): Uncertain significance (1 of 4 stars; one submission).

Conditions:
Parathyroid carcinoma (PRTC). Also called: CDC73-Related Parathyroid Carcinoma; Parathyroid gland carcinoma. Identifiers: Orphanet 143, MedGen C0687150, MONDO:0012004, OMIM 608266, HP:0006780.

Allele frequency attached by ClinVar (database versions not stated): gnomAD exomes below 0.00001.
gnomAD v4.1: 1 of 1,613,734 alleles (0.000062%); highest among the groups gnomAD compares: Non-Finnish European, 0.000085%; no homozygotes.

Submission:

Labcorp Genetics (formerly Invitae), Labcorp
Classification: Uncertain significance for Parathyroid carcinoma. Last evaluated: 2021-04-25. Review status: criteria provided, single submitter. Criteria: Invitae Variant Classification Sherloc (09022015). Collection method: clinical testing. Allele origin: germline.
Comment: In summary, the available evidence is currently insufficient to determine the role of this variant in disease. Therefore, it has been classified as a Variant of Uncertain Significance. Algorithms developed to predict the effect of missense changes on protein structure and function are either unavailable or do not agree on the potential impact of this missense change (SIFT: "Tolerated"; PolyPhen-2: "Possibly Damaging"; Align-GVGD: "Class C0"). This variant has not been reported in the literature in individuals with CDC73-related conditions. This variant is not present in population databases (ExAC no frequency). This sequence change replaces lysine with threonine at codon 125 of the CDC73 protein (p.Lys125Thr). The lysine residue is highly conserved and there is a moderate physicochemical difference between lysine and threonine.

NM_024529.5(CDC73):c.374A>C (p.Lys125Thr)

Gene: CDC73 (cell division cycle 73; plus strand). Cytogenetic location: 1q31.2.
Variant type: single nucleotide variant.
Coding change: c.374A>C on transcript NM_024529.5 (MANE Select); coding-DNA position 374, A replaced by C.
Protein change: p.Lys125Thr; replaces lysine 125 with threonine.
Molecular consequence: missense variant.
Genome position (GRCh38, 1-based): chr1:193,135,540, A>C. VCF-style: chr1-193135540-A-C. GRCh37 (hg19) VCF-style: chr1-193104670-A-C.
Other names: short protein forms K125T.
Identifiers: ClinVar variation 1348824 (VCV001348824.8), dbSNP rs1455915064, ClinGen allele CA343960600.
Genomic context (GRCh38, chr1:193,135,540, plus strand): 5'-AACTTTCAGAAGCCCATTCCAAAACTACACATTTATTTACTTCTCTTTCTTTTATAGTCA[A>C]ACGAGCTGCAGATGAAGTTTTAGCAGAAGCAAAGAAACCACGAATTGAGGTAAAGAAACT-3'
Protein context (NP_078805.3, residues 115-135): EIGLQRSTQV[Lys125Thr]RAADEVLAEA